The following is an entry in ClinVar:

NM_007078.3(LDB3):c.508G>T (p.Ala170Ser)

Gene: LDB3 (LIM domain binding 3; plus strand). Cytogenetic location: 10q23.2.
Variant type: single nucleotide variant.
Coding change: c.508G>T on transcript NM_007078.3 (MANE Select); coding-DNA position 508, G replaced by T.
Protein change: p.Ala170Ser; replaces alanine 170 with serine.
Molecular consequence: missense variant. On other transcripts: intron variant (5).
Genome position (GRCh38, 1-based): chr10:86,681,622, G>T. VCF-style: chr10-86681622-G-T. GRCh37 (hg19) VCF-style: chr10-88441379-G-T.
Other names: c.508G>T, p.Ala170Ser (NM_001080115.2, NM_001171610.2, NM_001171611.2 and 3 more transcripts); c.321+1465G>T (NM_001368068.1, NM_001368066.1, NM_001080114.2 and 2 more transcripts); c.508G>T (NM_001171610.1); short protein forms A170S.
Identifiers: ClinVar variation 1745266 (VCV001745266.5), dbSNP rs752170606, ClinGen allele CA377454190.

ClinVar aggregate classification (germline): Uncertain significance. Review status: criteria provided, multiple submitters, no conflicts (2 of 4 stars). 3 submissions from 3 submitters: Uncertain significance (3). Last evaluated 2025-08-24.

Conditions:
LDB3-related disorder. Also called: LDB3-related condition.
Cardiovascular phenotype. Identifiers: MedGen CN230736.
Myofibrillar myopathy 4. Also called: Zaspopathy (type). Identifiers: Orphanet 98912, MedGen C4721886, MONDO:0012277, OMIM 609452.

gnomAD v4.1: 3 of 1,613,124 alleles (0.00019%); no homozygotes.

Submissions (3):

Labcorp Genetics (formerly Invitae), Labcorp
Classification: Uncertain significance for Myofibrillar myopathy 4. Last evaluated: 2025-08-24. Review status: criteria provided, single submitter. Criteria: Invitae Variant Classification Sherloc (09022015). Collection method: clinical testing. Allele origin: germline.
Comment: The LDB3 gene has multiple clinically relevant transcripts. This variant occurs in alternate transcript NM_007078.3, and corresponds to NM_001080116.1:c.321+1465G>T in the primary transcript. This sequence change replaces alanine, which is neutral and non-polar, with serine, which is neutral and polar, at codon 170 of the LDB3 protein (p.Ala170Ser). This variant is not present in population databases (gnomAD no frequency). This variant has not been reported in the literature in individuals affected with LDB3-related conditions. ClinVar contains an entry for this variant (Variation ID: 1745266). Algorithms developed to predict the effect of sequence changes on RNA splicing suggest that this variant is not likely to affect RNA splicing. In summary, the available evidence is currently insufficient to determine the role of this variant in disease. Therefore, it has been classified as a Variant of Uncertain Significance.

PreventionGenetics, part of Exact Sciences
Classification: Uncertain significance for LDB3-related condition. Last evaluated: 2022-09-20. Review status: criteria provided, single submitter. Criteria: ACMG Guidelines, 2015. Collection method: clinical testing. Allele origin: germline.
Comment: The LDB3 c.508G>T variant is predicted to result in the amino acid substitution p.Ala170Ser. To our knowledge, this variant has not been reported in the literature or in a large population database, indicating this variant is rare. At this time, the clinical significance of this variant is uncertain due to the absence of conclusive functional and genetic evidence.

Ambry Genetics
Classification: Uncertain significance for Cardiovascular phenotype. Last evaluated: 2022-04-19. Review status: criteria provided, single submitter. Criteria: Ambry Variant Classification Scheme 2023. Collection method: clinical testing. Allele origin: germline.
Comment: The p.A170S variant (also known as c.508G>T), located in coding exon 4 of the LDB3 gene, results from a G to T substitution at nucleotide position 508. The alanine at codon 170 is replaced by serine, an amino acid with similar properties. This amino acid position is conserved. In addition, this alteration is predicted to be tolerated by in silico analysis. Since supporting evidence is limited at this time, the clinical significance of this alteration remains unclear.